The following is an entry in ClinVar:

NM_001128840.3(CACNA1D):c.2133G>A (p.Met711Ile)

Gene: CACNA1D (calcium voltage-gated channel subunit alpha1 D; plus strand). Cytogenetic location: 3p21.1.
Variant type: single nucleotide variant.
Coding change: c.2133G>A on transcript NM_001128840.3 (MANE Select); coding-DNA position 2133, G replaced by A.
Protein change: p.Met711Ile; replaces methionine 711 with isoleucine.
Molecular consequence: missense variant.
Genome position (GRCh38, 1-based): chr3:53,726,911, G>A. VCF-style: chr3-53726911-G-A. GRCh37 (hg19) VCF-style: chr3-53760938-G-A.
Other names: c.2193G>A, p.Met731Ile (NM_000720.4); c.2133G>A, p.Met711Ile (NM_001128839.3); short protein forms M731I, M711I.
Identifiers: ClinVar variation 4778117 (VCV004778117.1).

ClinVar aggregate classification (germline): Uncertain significance (1 of 4 stars; one submission).

Submission:

Labcorp Genetics (formerly Invitae), Labcorp
Classification: Uncertain significance. Last evaluated: 2026-02-01. Review status: criteria provided, single submitter. Criteria: Invitae Variant Classification Sherloc (09022015). Collection method: clinical testing. Allele origin: germline.
Comment: This sequence change replaces methionine, which is neutral and non-polar, with isoleucine, which is neutral and non-polar, at codon 731 of the CACNA1D protein (p.Met731Ile). This variant is not present in population databases (gnomAD no frequency). This variant has not been reported in the literature in individuals affected with CACNA1D-related conditions. Invitae Evidence Modeling of protein sequence and biophysical properties (such as structural, functional, and spatial information, amino acid conservation, physicochemical variation, residue mobility, and thermodynamic stability) indicates that this missense variant is expected to disrupt CACNA1D protein function with a positive predictive value of 80%. In summary, the available evidence is currently insufficient to determine the role of this variant in disease. Therefore, it has been classified as a Variant of Uncertain Significance.